The following is an entry in ClinVar:

ClinVar aggregate classification (germline): Uncertain significance. Review status: criteria provided, multiple submitters, no conflicts (2 of 4 stars). 4 submissions from 4 submitters: Uncertain significance (4). Last evaluated 2024-05-26.

Conditions:
Cardiovascular phenotype. Identifiers: MedGen CN230736.
Alstrom syndrome (ALMS). Identifiers: Orphanet 64, MedGen C0268425, MONDO:0008763, OMIM 203800.

Allele frequency attached by ClinVar (database versions not stated): gnomAD exomes 0.00003 and 0.00005; TOPMed 0.00003; ExAC 0.00004; gnomAD 0.00004 and 0.00005; ESP Exome Variant Server 0.00008; 1000 Genomes Project 0.00020; 1000 Genomes Project 30x 0.00031.
gnomAD v4.1: 73 of 1,613,612 alleles (0.0045%); highest among the groups gnomAD compares: East Asian, 0.0089%; no homozygotes.

Submissions (4):

Labcorp Genetics (formerly Invitae), Labcorp
Classification: Uncertain significance for Alstrom syndrome. Last evaluated: 2024-05-26. Review status: criteria provided, single submitter. Criteria: Invitae Variant Classification Sherloc (09022015). Collection method: clinical testing. Allele origin: germline.
Comment: This sequence change replaces serine, which is neutral and polar, with alanine, which is neutral and non-polar, at codon 3956 of the ALMS1 protein (p.Ser3956Ala). This variant is present in population databases (rs45528134, gnomAD 0.02%). This variant has not been reported in the literature in individuals affected with ALMS1-related conditions. ClinVar contains an entry for this variant (Variation ID: 1479037). Experimental studies and prediction algorithms are not available or were not evaluated, and the functional significance of this variant is currently unknown. In summary, the available evidence is currently insufficient to determine the role of this variant in disease. Therefore, it has been classified as a Variant of Uncertain Significance.

Ambry Genetics
Classification: Uncertain significance for Cardiovascular phenotype. Last evaluated: 2022-12-15. Review status: criteria provided, single submitter. Criteria: Ambry Variant Classification Scheme 2023. Collection method: clinical testing. Allele origin: germline.
Comment: The p.S3956A variant (also known as c.11866T>G), located in coding exon 18 of the ALMS1 gene, results from a T to G substitution at nucleotide position 11866. The serine at codon 3956 is replaced by alanine, an amino acid with similar properties. This alteration has been reported in an Alstrom syndrome cohort (Marshall JD et al. Hum Mutat, 2007 Nov;28:1114-23). This amino acid position is poorly conserved in available vertebrate species. In addition, this alteration is predicted to be tolerated by in silico analysis. Since supporting evidence is limited at this time, the clinical significance of this alteration remains unclear.

Fulgent Genetics
Classification: Uncertain significance for Alstrom syndrome. Last evaluated: 2021-12-05. Review status: criteria provided, single submitter. Criteria: ACMG Guidelines, 2015. Collection method: clinical testing. Allele origin: unknown.

Center for Genomics, Ann and Robert H. Lurie Children's Hospital of Chicago
Classification: Uncertain significance for Alstrom syndrome. Last evaluated: 2021-03-30. Review status: criteria provided, single submitter. Criteria: ACMG Guidelines, 2015. Collection method: clinical testing. Allele origin: germline.
Comment: ALMS1 NM_015120.4 exon 18 p.Ser3954Ala (c.11860T>G): This variant has not been reported in the literature and is present in 0.02% (4/19876) of East Asian alleles in the Genome Aggregation Database. Evolutionary conservation and computational predictive tools suggest that this variant may not impact the protein. In summary, data on this variant is insufficient for disease classification. Therefore, the clinical significance of this variant is uncertain.

Literature cited by the submitters: PubMed 17594715 (cited by Ambry Genetics).

NM_001378454.1(ALMS1):c.11863T>G (p.Ser3955Ala)

Gene: ALMS1 (ALMS1 centrosome and basal body associated protein; plus strand). Cytogenetic location: 2p13.1.
Variant type: single nucleotide variant.
Coding change: c.11863T>G on transcript NM_001378454.1 (MANE Select); coding-DNA position 11863, T replaced by G.
Protein change: p.Ser3955Ala; replaces serine 3955 with alanine.
Molecular consequence: missense variant.
Genome position (GRCh38, 1-based): chr2:73,600,872, T>G. VCF-style: chr2-73600872-T-G. GRCh37 (hg19) VCF-style: chr2-73827999-T-G.
Other names: c.11866T>G, p.Ser3956Ala (NM_015120.4); short protein forms S3955A, S3956A.
Identifiers: ClinVar variation 1479037 (VCV001479037.8), dbSNP rs45528134, ClinGen allele CA1715344.